The following is an entry in ClinVar:

NM_000038.6(APC):c.915A>G (p.Thr305=)

Gene: APC (APC regulator of Wnt signaling pathway; plus strand). Cytogenetic location: 5q22.2.
Variant type: single nucleotide variant.
Coding change: c.915A>G on transcript NM_000038.6 (MANE Select); coding-DNA position 915, A replaced by G.
Protein change: p.Thr305=; no amino-acid change (threonine 305 retained).
Molecular consequence: synonymous variant.
Genome position (GRCh38, 1-based): chr5:112,815,575, A>G. VCF-style: chr5-112815575-A-G. GRCh37 (hg19) VCF-style: chr5-112151272-A-G.
Other names: c.915A>G, p.Thr305= (NM_001127510.3, NM_001354895.2, NM_001354896.2 and 1 more transcripts); c.861A>G, p.Thr287= (NM_001127511.3); c.945A>G, p.Thr315= (NM_001354897.2, NM_001354902.2); c.840A>G, p.Thr280= (NM_001354898.2, NM_001354904.2); c.831A>G, p.Thr277= (NM_001354899.2); c.738A>G, p.Thr246= (NM_001354900.2, NM_001354901.2, NM_001354905.2); c.66A>G, p.Thr22= (NM_001354906.2); c.915A>G (NM_000038.5).
Identifiers: ClinVar variation 1106500 (VCV001106500.14), dbSNP rs1762428447, ClinGen allele CA445755723.

ClinVar aggregate classification (germline): Benign/Likely benign. Review status: criteria provided, multiple submitters, no conflicts (2 of 4 stars). 4 submissions from 4 submitters: Benign (1); Likely benign (3). Last evaluated 2025-05-07.

Conditions:
Hereditary cancer-predisposing syndrome. Also called: Tumor predisposition; Neoplastic Syndromes, Hereditary; Hereditary Cancer Syndrome; Hereditary neoplastic syndrome. Identifiers: Orphanet 140162, MedGen C0027672, MeSH D009386, MONDO:0015356.
Familial adenomatous polyposis 1 (FAP1). Also called: FAMILIAL ADENOMATOUS POLYPOSIS 1, ATTENUATED; POLYPOSIS, ADENOMATOUS INTESTINAL. Identifiers: MedGen C2713442, MONDO:0021056, OMIM 175100. Disease mechanism: loss of function.

Submissions (4):

Ambry Genetics
Classification: Likely benign for Hereditary cancer-predisposing syndrome. Last evaluated: 2025-05-07. Review status: criteria provided, single submitter. Criteria: Ambry Variant Classification Scheme 2023. Collection method: clinical testing. Allele origin: germline.

Labcorp Genetics (formerly Invitae), Labcorp
Classification: Likely benign for Familial adenomatous polyposis 1. Last evaluated: 2025-04-21. Review status: criteria provided, single submitter. Criteria: Invitae Variant Classification Sherloc (09022015). Collection method: clinical testing. Allele origin: germline.

Myriad Genetics, Inc.
Classification: Benign for Familial adenomatous polyposis 1. Last evaluated: 2024-02-27. Review status: criteria provided, single submitter. Criteria: Myriad Autosomal Dominant, Autosomal Recessive and X-Linked Classification Criteria (2023). Collection method: clinical testing. Allele origin: unknown.
Comment: This variant is considered benign. This variant is a silent/synonymous amino acid change and it is not expected to impact splicing.

Color Diagnostics, LLC DBA Color Health
Classification: Likely benign for Hereditary cancer-predisposing syndrome. Last evaluated: 2022-03-31. Review status: criteria provided, single submitter. Criteria: ACMG Guidelines, 2015. Collection method: clinical testing. Allele origin: germline.